The following is an entry in ClinVar:

NM_001142864.4(PIEZO1):c.3882C>A (p.Phe1294Leu)

Gene: PIEZO1 (piezo type mechanosensitive ion channel component 1 (Er blood group); minus strand). Cytogenetic location: 16q24.3.
Variant type: single nucleotide variant.
Coding change: c.3882C>A on transcript NM_001142864.4 (MANE Select); coding-DNA position 3882, C replaced by A.
Protein change: p.Phe1294Leu; replaces phenylalanine 1294 with leucine.
Molecular consequence: missense variant.
Genome position (GRCh38, 1-based): chr16:88,726,370, G>T on the plus strand (C>A on the coding strand, the complement: PIEZO1 is on the minus strand). VCF-style: chr16-88726370-G-T. GRCh37 (hg19) VCF-style: chr16-88792778-G-T.
Other names: short protein forms F1294L.
Identifiers: ClinVar variation 3669634 (VCV003669634.2).

ClinVar aggregate classification (germline): Uncertain significance (1 of 4 stars; one submission).

Submission:

Labcorp Genetics (formerly Invitae), Labcorp
Classification: Uncertain significance. Last evaluated: 2024-05-08. Review status: criteria provided, single submitter. Criteria: Invitae Variant Classification Sherloc (09022015). Collection method: clinical testing. Allele origin: germline.
Comment: This sequence change replaces phenylalanine, which is neutral and non-polar, with leucine, which is neutral and non-polar, at codon 1294 of the PIEZO1 protein (p.Phe1294Leu). This variant is not present in population databases (gnomAD no frequency). This variant has not been reported in the literature in individuals affected with PIEZO1-related conditions. Advanced modeling of protein sequence and biophysical properties (such as structural, functional, and spatial information, amino acid conservation, physicochemical variation, residue mobility, and thermodynamic stability) has been performed at Invitae for this missense variant, however the output from this modeling did not meet the statistical confidence thresholds required to predict the impact of this variant on PIEZO1 protein function. In summary, the available evidence is currently insufficient to determine the role of this variant in disease. Therefore, it has been classified as a Variant of Uncertain Significance.